The following is an entry in ClinVar:

NM_001267550.2(TTN):c.66904C>T (p.Leu22302=)

Genes: TTN (titin; minus strand), TTN-AS1 (TTN antisense RNA 1; plus strand). Cytogenetic location: 2q31.2.
Variant type: single nucleotide variant.
Coding change: c.66904C>T on transcript NM_001267550.2 (MANE Select); coding-DNA position 66904, C replaced by T.
Protein change: p.Leu22302=; no amino-acid change (leucine 22302 retained).
Molecular consequence: synonymous variant.
Genome position (GRCh38, 1-based): chr2:178,580,475, G>A on the plus strand (C>T on the coding strand, the complement: TTN is on the minus strand). VCF-style: chr2-178580475-G-A. GRCh37 (hg19) VCF-style: chr2-179445202-G-A.
Other names: c.61981C>T, p.Leu20661= (NM_001256850.1); c.39709C>T, p.Leu13237= (NM_003319.4); c.59200C>T, p.Leu19734= (NM_133378.4); c.40084C>T, p.Leu13362= (NM_133432.3); c.40285C>T, p.Leu13429= (NM_133437.4).
Identifiers: ClinVar variation 487595 (VCV000487595.1), dbSNP rs1553624186, ClinGen allele CA430262132.
Genomic context (GRCh38, chr2:178,580,475, plus strand): 5'-CACAGCGCAAGAAAGTGTCAAAGTCAGTTGACTTTATGTCCAGTCCAATCCTGTCTCTTA[G>A]ATTGACATTTGGTTTAGACCAAGTAATCTTTGGAGGTGGGCGTCCTTTTACTGGTACATA-3'
Protein context (NP_001254479.2, residues 22292-22312): KITWSKPNVN[Leu22302=]RDRIGLDIKS

ClinVar aggregate classification (germline): Likely pathogenic (0 of 4 stars; one submission).

Conditions:
Wolff-Parkinson-White pattern. Also called: WPW SYNDROME; Auriculoventricular accessory pathway syndrome; False bundle branch block syndrome; Anomalous ventricular excitation syndrome. Identifiers: MedGen C0043202, MONDO:0008685, OMIM 194200, HP:0001716.

Submission:

Lupski Lab, Baylor-Hopkins CMG, Baylor College of Medicine
Classification: Likely pathogenic for Wolff-Parkinson-White pattern. Last evaluated: 2017-07-14. Review status: no assertion criteria provided. Collection method: research. Allele origin: inherited. Affected: yes. Observed: 1 variant allele. Study: Candidate_variants_in_patients_with_ Wolff-Parkinson-White Syndrome.